The following is an entry in ClinVar:

ClinVar aggregate classification (germline): Likely pathogenic (1 of 4 stars; one submission).

Submission:

Labcorp Genetics (formerly Invitae), Labcorp
Classification: Likely pathogenic. Last evaluated: 2023-07-14. Review status: criteria provided, single submitter. Criteria: Invitae Variant Classification Sherloc (09022015). Collection method: clinical testing. Allele origin: germline.
Comment: This sequence change affects a donor splice site in intron 6 of the LAMB3 gene. It is expected to disrupt RNA splicing. Variants that disrupt the donor or acceptor splice site typically lead to a loss of protein function (PMID: 16199547), and loss-of-function variants in LAMB3 are known to be pathogenic (PMID: 11023379, 16473856). In summary, the currently available evidence indicates that the variant is pathogenic, but additional data are needed to prove that conclusively. Therefore, this variant has been classified as Likely Pathogenic. Algorithms developed to predict the effect of sequence changes on RNA splicing suggest that this variant may disrupt the consensus splice site. Disruption of this splice site has been observed in individual(s) with autosomal recessive junctional epidermolysis bullosa (PMID: 28830826). This variant is not present in population databases (gnomAD no frequency).

Literature cited by the submitters: PubMed 16199547; PubMed 11023379; PubMed 16473856; PubMed 28830826.

NM_000228.3(LAMB3):c.564+1G>A

Gene: LAMB3 (laminin subunit beta 3; minus strand). Cytogenetic location: 1q32.2.
Variant type: single nucleotide variant.
Coding change: c.564+1G>A on transcript NM_000228.3 (MANE Select); the canonical splice donor site of the intron after coding-DNA position 564, G replaced by A.
Molecular consequence: splice donor variant.
Genome position (GRCh38, 1-based): chr1:209,634,446, C>T on the plus strand (G>A on the coding strand, the complement: LAMB3 is on the minus strand). VCF-style: chr1-209634446-C-T. GRCh37 (hg19) VCF-style: chr1-209807791-C-T.
Other names: c.564+1G>A (NM_001127641.1, NM_001017402.2).
Identifiers: ClinVar variation 2734073 (VCV002734073.3), dbSNP rs2464878925, ClinGen allele CA344595582.